The following is an entry in ClinVar:

ClinVar aggregate classification (germline): Pathogenic (1 of 4 stars; one submission).

Allele frequency attached by ClinVar (database versions not stated): gnomAD exomes below 0.00001; ExAC 0.00001.
gnomAD v4.1: 1 of 1,613,558 alleles (0.000062%); highest among the groups gnomAD compares: East Asian, 0.0022%; no homozygotes.

Submission:

GeneDx
Classification: Pathogenic. Last evaluated: 2022-06-27. Review status: criteria provided, single submitter. Criteria: GeneDx Variant Classification Process June 2021. Collection method: clinical testing. Allele origin: germline. Affected: yes.
Comment: Nonsense variant predicted to result in protein truncation or nonsense mediated decay in a gene for which loss of function is a known mechanism of disease; Not observed at significant frequency in large population cohorts (gnomAD); Has not been previously published as pathogenic or benign to our knowledge

NM_005902.4(SMAD3):c.696G>A (p.Trp232Ter)

Gene: SMAD3 (SMAD family member 3; plus strand). Cytogenetic location: 15q22.33.
Variant type: single nucleotide variant.
Coding change: c.696G>A on transcript NM_005902.4 (MANE Select); coding-DNA position 696, G replaced by A.
Protein change: p.Trp232Ter; replaces tryptophan 232 with a stop codon.
Molecular consequence: nonsense.
Genome position (GRCh38, 1-based): chr15:67,181,278, G>A. VCF-style: chr15-67181278-G-A. GRCh37 (hg19) VCF-style: chr15-67473616-G-A.
Other names: c.381G>A, p.Trp127Ter (NM_001145102.2, NM_001407016.1); c.564G>A, p.Trp188Ter (NM_001145103.2, NM_001407012.1); c.111G>A, p.Trp37Ter (NM_001145104.2, NM_001407017.1); c.696G>A, p.Trp232Ter (NM_001407011.1, NM_001407013.1); c.549G>A, p.Trp183Ter (NM_001407014.1); c.249G>A, p.Trp83Ter (NM_001407015.1); short protein forms W127*, W183*, W188*, W232*, W37*, W83*.
Identifiers: ClinVar variation 1806663 (VCV001806663.1), dbSNP rs778356642, ClinGen allele CA062579.
Genomic context (GRCh38, chr15:67,181,278, plus strand): 5'-AGTAGCCCACCCTGTGTCCACAGACCTGCAGCCAGTTACCTACTGCGAGCCGGCCTTCTG[G>A]TGCTCCATCTCCTACTACGAGCTGAACCAGCGCGTCGGGGAGACATTCCACGCCTCGCAG-3'